The following is an entry in ClinVar:

NM_002234.4(KCNA5):c.926G>A (p.Gly309Asp)

Gene: KCNA5 (potassium voltage-gated channel subfamily A member 5; plus strand). Cytogenetic location: 12p13.32.
Variant type: single nucleotide variant.
Coding change: c.926G>A on transcript NM_002234.4 (MANE Select); coding-DNA position 926, G replaced by A.
Protein change: p.Gly309Asp; replaces glycine 309 with aspartic acid.
Molecular consequence: missense variant.
Genome position (GRCh38, 1-based): chr12:5,045,073, G>A. VCF-style: chr12-5045073-G-A. GRCh37 (hg19) VCF-style: chr12-5154239-G-A.
Other names: short protein forms G309D.
Identifiers: ClinVar variation 852918 (VCV000852918.16), dbSNP rs369120527, ClinGen allele CA6399759.

ClinVar aggregate classification (germline): Uncertain significance. Review status: criteria provided, multiple submitters, no conflicts (2 of 4 stars). 5 submissions from 5 submitters: Uncertain significance (4). 1 of the submissions does not count toward it. Last evaluated 2025-10-06.

Conditions:
Atrial fibrillation, familial, 7 (ATFB7). Identifiers: MedGen C2677106, MONDO:0012828, OMIM 612240.

Allele frequency attached by ClinVar (database versions not stated): ExAC 0.00005; gnomAD exomes 0.00006 and 0.00019; ESP Exome Variant Server 0.00008; TOPMed 0.00008; gnomAD 0.00010.

Submissions (5):

Labcorp Genetics (formerly Invitae), Labcorp
Classification: Uncertain significance for Atrial fibrillation, familial, 7. Last evaluated: 2025-10-06. Review status: criteria provided, single submitter. Criteria: Invitae Variant Classification Sherloc (09022015). Collection method: clinical testing. Allele origin: germline.
Comment: This sequence change replaces glycine, which is neutral and non-polar, with aspartic acid, which is acidic and polar, at codon 309 of the KCNA5 protein (p.Gly309Asp). This variant is present in population databases (rs369120527, gnomAD 0.01%). This variant has not been reported in the literature in individuals affected with KCNA5-related conditions. ClinVar contains an entry for this variant (Variation ID: 852918). An algorithm developed to predict the effect of missense changes on protein structure and function (PolyPhen-2) suggests that this variant is likely to be tolerated. In summary, the available evidence is currently insufficient to determine the role of this variant in disease. Therefore, it has been classified as a Variant of Uncertain Significance.

GeneDx
Classification: Uncertain significance. Last evaluated: 2024-07-24. Review status: criteria provided, single submitter. Criteria: GeneDx Variant Classification Process June 2021. Collection method: clinical testing. Allele origin: germline. Affected: yes.
Comment: Identified in a patient with atrial fibrillation in the published literature; functional studies demonstrated that this variant behaved like wild-type in transfected cells (PMID: 23264583); In silico analysis indicates that this missense variant does not alter protein structure/function; This variant is associated with the following publications: (PMID: 23264583)

Fulgent Genetics
Classification: Uncertain significance for Atrial fibrillation, familial, 7. Last evaluated: 2024-02-13. Review status: criteria provided, single submitter. Criteria: ACMG Guidelines, 2015. Collection method: clinical testing. Allele origin: germline.

Illumina Laboratory Services, Illumina
Classification: Uncertain significance for Atrial fibrillation, familial, 7. Last evaluated: 2018-03-16. Review status: criteria provided, single submitter. Criteria: ICSL Variant Classification Criteria 13 December 2019. Collection method: clinical testing. Allele origin: germline.

Department of Pathology and Laboratory Medicine, Sinai Health System
Classification: Uncertain significance. Review status: no assertion criteria provided. Collection method: clinical testing. Allele origin: unknown. Affected: yes. Study: The Canadian Open Genetics Repository (COGR). Not counted in ClinVar's aggregate classification.
Comment: The KCNA5 p.Gly309Asp variant was identified in 1 of 614 proband chromosomes (frequency: 0.00163) from individuals with lone atrial fibrillation but was not found to affect the subcellular localization of the Kv1.5 potassium channel subunit encoded by the KCNA5 gene (Christophersen_2012_PMID:23264583). The variant was identified in dbSNP (ID: rs369120527) but was not identified in ClinVar, Cosmic or LOVD 3.0. The variant was identified in control databases in 19 of 278892 chromosomes at a frequency of 0.000068 (Genome Aggregation Database Feb 27, 2017). The variant was observed in the following populations: European (non-Finnish) in 17 of 126286 chromosomes (freq: 0.000135), European (Finnish) in 1 of 24770 chromosomes (freq: 0.00004) and Latino in 1 of 35364 chromosomes (freq: 0.000028), but was not observed in the African, Ashkenazi Jewish, East Asian, Other or South Asian populations. The p.Gly309 residue is conserved in mammals and computational analyses (PolyPhen-2, SIFT, AlignGVGD, BLOSUM, MutationTaster) provide inconsistent predictions regarding the impact to the protein; this information is not very predictive of pathogenicity. The variant occurs outside of the splicing consensus sequence and in silico or computational prediction software programs (SpliceSiteFinder, MaxEntScan, NNSPLICE, GeneSplicer) do not predict a difference in splicing. In summary, based on the above information the clinical significance of this variant cannot be determined with certainty at this time. This variant is classified as a variant of uncertain significance.